The following is an entry in ClinVar:

ClinVar aggregate classification (germline): Uncertain significance. Review status: criteria provided, multiple submitters, no conflicts (2 of 4 stars). 8 submissions from 4 submitters: Uncertain significance (7). 1 of the submissions does not count toward it. Last evaluated 2023-04-11.

Conditions:
Epilepsy, idiopathic generalized, susceptibility to, 12 (EIG12). Identifiers: MedGen C3553859, MONDO:0013919, OMIM 614847.
Hereditary cryohydrocytosis with reduced stomatin. Also called: GLUT1 DEFICIENCY SYNDROME WITH PSEUDOHYPERKALEMIA AND HEMOLYSIS; Stomatin-deficient cryohydrocytosis with neurologic defects. Identifiers: Orphanet 168577, MedGen C1837206, MONDO:0012143, OMIM 608885.
Childhood onset GLUT1 deficiency syndrome 2. Also called: GLUT1 deficiency syndrome 2; PxMD-SLC2A1; Exertion-induced paroxysmal dyskinesia; PAROXYSMAL EXERCISE-INDUCED DYSKINESIA WITH OR WITHOUT EPILEPSY AND/OR HEMOLYTIC ANEMIA; PAROXYSMAL EXERTION-INDUCED DYSTONIA WITH OR WITHOUT EPILEPSY AND/OR HEMOLYTIC ANEMIA; PED WITH OR WITHOUT EPILEPSY AND/OR HEMOLYTIC ANEMIA. Identifiers: Orphanet 98811, MedGen C1842534, MONDO:0012805, OMIM 612126.
Dystonia 9 (DYT9). Also called: CHOREOATHETOSIS, KINESIGENIC, WITH EPISODIC ATAXIA AND SPASTICITY. Identifiers: Orphanet 53583, MedGen C1832855, MONDO:0010983, OMIM 601042.
Encephalopathy due to GLUT1 deficiency. Also called: GLUT1 deficiency syndrome 1, infantile onset, severe; GLUCOSE TRANSPORT DEFECT, BLOOD-BRAIN BARRIER; Classic Glucose Transporter Type 1 Deficiency Syndrome; De Vivo disease; GLUT1 deficiency syndrome 1; Glucose transporter protein syndrome. Identifiers: Orphanet 71277, MedGen C4551966, MONDO:0011724, OMIM 606777.

Submissions (8):

Genome-Nilou Lab
Classification: Uncertain significance for Epilepsy, idiopathic generalized, susceptibility to, 12. Last evaluated: 2023-04-11. Review status: criteria provided, single submitter. Criteria: ACMG Guidelines, 2015. Collection method: clinical testing. Allele origin: germline. Affected: no.

Genome-Nilou Lab
Classification: Uncertain significance for Dystonia 9. Last evaluated: 2023-04-11. Review status: criteria provided, single submitter. Criteria: ACMG Guidelines, 2015. Collection method: clinical testing. Allele origin: germline. Affected: no.

Genome-Nilou Lab
Classification: Uncertain significance for Encephalopathy due to GLUT1 deficiency. Last evaluated: 2023-04-11. Review status: criteria provided, single submitter. Criteria: ACMG Guidelines, 2015. Collection method: clinical testing. Allele origin: germline. Affected: no.

Genome-Nilou Lab
Classification: Uncertain significance for Childhood onset GLUT1 deficiency syndrome 2. Last evaluated: 2023-04-11. Review status: criteria provided, single submitter. Criteria: ACMG Guidelines, 2015. Collection method: clinical testing. Allele origin: germline. Affected: no.

Genome-Nilou Lab
Classification: Uncertain significance for Hereditary cryohydrocytosis with reduced stomatin. Last evaluated: 2023-04-11. Review status: criteria provided, single submitter. Criteria: ACMG Guidelines, 2015. Collection method: clinical testing. Allele origin: germline. Affected: no.

Baylor Genetics
Classification: Uncertain significance for Encephalopathy due to GLUT1 deficiency. Last evaluated: 2021-05-17. Review status: criteria provided, single submitter. Criteria: ACMG Guidelines, 2015. Collection method: clinical testing. Allele origin: unknown.

GeneDx
Classification: Uncertain significance. Last evaluated: 2014-11-21. Review status: criteria provided, single submitter. Criteria: GeneDx Variant Classification (06012015). Collection method: clinical testing. Allele origin: germline. Affected: yes.
Comment: p.Val376Met (GTG>ATG): c.1126 G>A in exon 9 of the SLC2A1 gene (NM_006516.2) A variant of unknown significance has been identified in the SLC2A1 gene. The V376M variant has not been published as a mutation, nor has it been reported as a benign polymorphism to our knowledge. It was not observed in approximately 6500 individuals of European and African American ancestry in the NHLBI Exome Sequencing Project, indicating it is not a common benign variant in these populations. This substitution occurs at a conserved position in the tenth transmembrane domain, and missense mutations in nearby residues (G382D and P383H) have been reported in association with Glut1 deficiency syndrome, supporting the functional importance of this region of the protein. In silico analysis predicts this variant is probably damaging to the protein structure/function. However, V376M is a conservative amino acid substitution, which is not likely to impact secondary protein structure as these residues share similar properties. Therefore, based on the currently available information, it is unclear whether this variant is a pathogenic mutation or a rare benign variant. The variant is found in STAT-EPIV2-1 panel(s).

Undiagnosed Diseases Network, NIH
Classification: Uncertain significance for Encephalopathy due to GLUT1 deficiency. Last evaluated: 2024-06-24. Review status: no assertion criteria provided. Collection method: clinical testing. Allele origin: de novo. Affected: yes. Observed: 1 variant allele, 1 heterozygote. Study: Undiagnosed Diseases Network (NIH), UDN. Not counted in ClinVar's aggregate classification.

NM_006516.4(SLC2A1):c.1126G>A (p.Val376Met)

Gene: SLC2A1 (solute carrier family 2 member 1; minus strand). Cytogenetic location: 1p34.2.
Variant type: single nucleotide variant.
Coding change: c.1126G>A on transcript NM_006516.4 (MANE Select); coding-DNA position 1126, G replaced by A.
Protein change: p.Val376Met; replaces valine 376 with methionine.
Molecular consequence: missense variant.
Genome position (GRCh38, 1-based): chr1:42,927,757, C>T on the plus strand (G>A on the coding strand, the complement: SLC2A1 is on the minus strand). VCF-style: chr1-42927757-C-T. GRCh37 (hg19) VCF-style: chr1-43393428-C-T.
Other names: p.V376M:GTG>ATG; p.Val376Met; short protein forms V376M.
Identifiers: ClinVar variation 207209 (VCV000207209.6), dbSNP rs796053260, ClinGen allele CA318463.